The following is an entry in ClinVar:

NM_177438.3(DICER1):c.1765A>C (p.Lys589Gln)

Gene: DICER1 (dicer 1, ribonuclease III; minus strand). Cytogenetic location: 14q32.13.
Variant type: single nucleotide variant.
Coding change: c.1765A>C on transcript NM_177438.3 (MANE Select); coding-DNA position 1765, A replaced by C.
Protein change: p.Lys589Gln; replaces lysine 589 with glutamine.
Molecular consequence: missense variant. On other transcripts: non-coding transcript variant (6).
Genome position (GRCh38, 1-based): chr14:95,115,809, T>G on the plus strand (A>C on the coding strand, the complement: DICER1 is on the minus strand). VCF-style: chr14-95115809-T-G. GRCh37 (hg19) VCF-style: chr14-95582146-T-G.
Other names: c.1765A>C, p.Lys589Gln (NM_001195573.1, NM_001271282.3, NM_001291628.2 and 12 more transcripts); c.1483A>C, p.Lys495Gln (NM_001395686.1); c.1360A>C, p.Lys454Gln (NM_001395687.1, NM_001395688.1, NM_001395689.1 and 3 more transcripts); c.1198A>C, p.Lys400Gln (NM_001395691.1); c.82A>C, p.Lys28Gln (NM_001395697.1); short protein forms K454Q, K589Q, K28Q, K400Q, K495Q.
Identifiers: ClinVar variation 5035313 (VCV005035313.1).

ClinVar aggregate classification (germline): Uncertain significance (1 of 4 stars; one submission).

Conditions:
Hereditary cancer-predisposing syndrome. Also called: Hereditary Cancer Syndrome; Neoplastic Syndromes, Hereditary; Tumor predisposition; Hereditary neoplastic syndrome. Identifiers: Orphanet 140162, MedGen C0027672, MeSH D009386, MONDO:0015356.

Submission:

Ambry Genetics
Classification: Uncertain significance for Hereditary cancer-predisposing syndrome. Last evaluated: 2026-08-21. Review status: criteria provided, single submitter. Criteria: Ambry Variant Classification Scheme 2023. Collection method: clinical testing. Allele origin: germline.
Comment: The p.K589Q variant (also known as c.1765A>C), located in coding exon 10 of the DICER1 gene, results from an A to C substitution at nucleotide position 1765. The lysine at codon 589 is replaced by glutamine, an amino acid with similar properties. This amino acid position is highly conserved in available vertebrate species. In addition, this alteration is predicted to be tolerated by in silico analysis. Based on the available evidence, the clinical significance of this variant remains unclear.